The following is an entry in ClinVar:

NM_018139.3(DNAAF2):c.650C>T (p.Pro217Leu)

Gene: DNAAF2 (dynein axonemal assembly factor 2; minus strand). Cytogenetic location: 14q21.3.
Variant type: single nucleotide variant.
Coding change: c.650C>T on transcript NM_018139.3 (MANE Select); coding-DNA position 650, C replaced by T.
Protein change: p.Pro217Leu; replaces proline 217 with leucine.
Molecular consequence: missense variant.
Genome position (GRCh38, 1-based): chr14:49,634,500, G>A on the plus strand (C>T on the coding strand, the complement: DNAAF2 is on the minus strand). VCF-style: chr14-49634500-G-A. GRCh37 (hg19) VCF-style: chr14-50101218-G-A.
Other names: c.650C>T, p.Pro217Leu (NM_001083908.2); short protein forms P217L.
Identifiers: ClinVar variation 640901 (VCV000640901.9), dbSNP rs1594609205, ClinGen allele CA389631257.
Genomic context (GRCh38, chr14:49,634,500, plus strand): 5'-CGGGGCCCGGGGGCTGCCGGGTACTGGTAAGGGTAGGGGAAGTCCGGGAGAGGACCCTTC[G>A]GCTCCCCGTCAGGCCTTGCGGGGATGACCCCGGGCAGGGGCGTGCGCAGCACCGCAGCCT-3'
Protein context (NP_060609.2, residues 207-227): GVIPARPDGE[Pro217Leu]KGPLPDFPYP

ClinVar aggregate classification (germline): Uncertain significance (1 of 4 stars; one submission).

Conditions:
Primary ciliary dyskinesia. Also called: Ciliary dyskinesia. Identifiers: Orphanet 244, MedGen C0008780, MONDO:0016575, HP:0012265.

Allele frequency attached by ClinVar (database versions not stated): TOPMed 0.00001.

Submission:

Labcorp Genetics (formerly Invitae), Labcorp
Classification: Uncertain significance for Primary ciliary dyskinesia. Last evaluated: 2022-03-03. Review status: criteria provided, single submitter. Criteria: Invitae Variant Classification Sherloc (09022015). Collection method: clinical testing. Allele origin: germline.
Comment: Algorithms developed to predict the effect of missense changes on protein structure and function output the following: SIFT: "Tolerated"; PolyPhen-2: "Benign"; Align-GVGD: "Class C0". The leucine amino acid residue is found in multiple mammalian species, which suggests that this missense change does not adversely affect protein function. ClinVar contains an entry for this variant (Variation ID: 640901). This variant has not been reported in the literature in individuals affected with DNAAF2-related conditions. This variant is not present in population databases (gnomAD no frequency). This sequence change replaces proline, which is neutral and non-polar, with leucine, which is neutral and non-polar, at codon 217 of the DNAAF2 protein (p.Pro217Leu). In summary, the available evidence is currently insufficient to determine the role of this variant in disease. Therefore, it has been classified as a Variant of Uncertain Significance.